The following is an entry in ClinVar:

ClinVar aggregate classification (germline): Uncertain significance (1 of 4 stars; one submission).

Submission:

GeneDx
Classification: Uncertain significance. Last evaluated: 2025-02-03. Review status: criteria provided, single submitter. Criteria: GeneDx Variant Classification Process June 2021. Collection method: clinical testing. Allele origin: germline. Affected: yes.
Comment: Not observed at significant frequency in large population cohorts (gnomAD); exon -1 variant in a gene for which loss of function is a known mechanism of disease, and both splice predictors and evolutionary conservation support a deleterious effect, although in the absence of functional evidence the actual effect of this sequence change is unknown.; Has not been previously published as pathogenic or benign to our knowledge

NM_001085458.2(CTNND1):c.2701G>A (p.Asp901Asn)

Genes: CTNND1 (catenin delta 1; plus strand), TMX2-CTNND1 (TMX2-CTNND1 readthrough (NMD candidate); plus strand). Cytogenetic location: 11q12.1.
Variant type: single nucleotide variant.
Coding change: c.2701G>A on transcript NM_001085458.2 (MANE Select); coding-DNA position 2701, G replaced by A.
Protein change: p.Asp901Asn; replaces aspartic acid 901 with asparagine.
Molecular consequence: missense variant. On other transcripts: non-coding transcript variant (1), intron variant (3).
Genome position (GRCh38, 1-based): chr11:57,814,373, G>A. VCF-style: chr11-57814373-G-A. GRCh37 (hg19) VCF-style: chr11-57581845-G-A.
Other names: c.2683G>A, p.Asp895Asn (NM_001085459.2, NM_001085460.2, NM_001085461.2 and 1 more transcripts); c.2398G>A, p.Asp800Asn (NM_001085463.2, NM_001085466.2); c.2380G>A, p.Asp794Asn (NM_001085464.2, NM_001085467.2, NM_001085468.2 and 2 more transcripts); c.2539G>A, p.Asp847Asn (NM_001206883.2, NM_001206884.2); c.2701G>A, p.Asp901Asn (NM_001206885.2); c.2521G>A, p.Asp841Asn (NM_001206886.2, NM_001206888.2, NM_001206889.2 and 1 more transcripts); c.2621-1021G>A (NM_001331.3); c.2459-1021G>A (NM_001206887.2); and 1 more; short protein forms D794N, D800N, D841N, D847N, D895N, D901N.
Identifiers: ClinVar variation 4072797 (VCV004072797.1).